The following is an entry in ClinVar:

NM_015213.4(DENND5A):c.347A>G (p.Gln116Arg)

Gene: DENND5A (DENN domain containing 5A; minus strand). Cytogenetic location: 11p15.4.
Variant type: single nucleotide variant.
Coding change: c.347A>G on transcript NM_015213.4 (MANE Select); coding-DNA position 347, A replaced by G.
Protein change: p.Gln116Arg; replaces glutamine 116 with arginine.
Molecular consequence: missense variant. On other transcripts: non-coding transcript variant (1).
Genome position (GRCh38, 1-based): chr11:9,204,262, T>C on the plus strand (A>G on the coding strand, the complement: DENND5A is on the minus strand). VCF-style: chr11-9204262-T-C. GRCh37 (hg19) VCF-style: chr11-9225809-T-C.
Other names: c.347A>G, p.Gln116Arg (NM_001243254.2, NM_001348748.1); c.275A>G, p.Gln92Arg (NM_001348749.2); c.59A>G, p.Gln20Arg (NM_001348750.2); short protein forms Q116R, Q20R, Q92R.
Identifiers: ClinVar variation 1958807 (VCV001958807.5), dbSNP rs186761148, ClinGen allele CA5877831.

ClinVar aggregate classification (germline): Uncertain significance (1 of 4 stars; one submission).

Allele frequency attached by ClinVar (database versions not stated): gnomAD exomes below 0.00001; TOPMed below 0.00001; ExAC 0.00001; gnomAD 0.00001; 1000 Genomes Project 30x 0.00016; 1000 Genomes Project 0.00020.
gnomAD v4.1: 3 of 1,613,888 alleles (0.00019%); highest among the groups gnomAD compares: African/African-American, 0.004%; no homozygotes.

Submission:

Labcorp Genetics (formerly Invitae), Labcorp
Classification: Uncertain significance. Last evaluated: 2022-03-23. Review status: criteria provided, single submitter. Criteria: Invitae Variant Classification Sherloc (09022015). Collection method: clinical testing. Allele origin: germline.
Comment: Algorithms developed to predict the effect of missense changes on protein structure and function (SIFT, PolyPhen-2, Align-GVGD) all suggest that this variant is likely to be tolerated. In summary, the available evidence is currently insufficient to determine the role of this variant in disease. Therefore, it has been classified as a Variant of Uncertain Significance. This variant has not been reported in the literature in individuals affected with DENND5A-related conditions. This variant is present in population databases (rs186761148, gnomAD 0.007%). This sequence change replaces glutamine, which is neutral and polar, with arginine, which is basic and polar, at codon 116 of the DENND5A protein (p.Gln116Arg).